The following is an entry in ClinVar:

ClinVar aggregate classification (germline): Benign. Review status: criteria provided, single submitter (1 of 4 stars). 3 submissions from 3 submitters: Benign (1). 2 of the submissions do not count toward it. Last evaluated 2022-12-01.

Conditions:
SLC28A1-related disorder. Also called: SLC28A1-related condition.
Uridine-cytidineuria. Identifiers: MedGen C4760647, MONDO:0032773, OMIM 618477.

Allele frequency attached by ClinVar (database versions not stated): gnomAD exomes 0.00030 and 0.00086; ExAC 0.00105; 1000 Genomes Project 0.00300; 1000 Genomes Project 30x 0.00312; gnomAD 0.00349 and 0.00382; TOPMed 0.00361; ESP Exome Variant Server 0.00446.
gnomAD v4.1: 996 of 1,613,988 alleles (0.062%); highest among the groups gnomAD compares: African/African-American, 1.2%; 12 homozygotes.

Submissions (3):

CeGaT Center for Human Genetics Tuebingen
Classification: Benign. Last evaluated: 2022-12-01. Review status: criteria provided, single submitter. Criteria: CeGaT Center For Human Genetics Tuebingen Variant Classification Criteria Version 2. Collection method: clinical testing. Allele origin: germline. Affected: yes. Observed: 1 variant allele.
Comment: SLC28A1: BS1, BS2

PreventionGenetics, part of Exact Sciences
Classification: Benign for SLC28A1-related condition. Last evaluated: 2019-12-24. Review status: no assertion criteria provided. Collection method: clinical testing. Allele origin: germline. Not counted in ClinVar's aggregate classification.
Comment: This variant is classified as benign based on ACMG/AMP sequence variant interpretation guidelines (Richards et al. 2015 PMID: 25741868, with internal and published modifications).

OMIM
Classification: Affects for URIDINE-CYTIDINEURIA. Last evaluated: 2019-06-18. Review status: no assertion criteria provided. Collection method: literature only. Allele origin: germline. Not counted in ClinVar's aggregate classification.

Literature cited by the submitters: PubMed 30847922 (cited by OMIM); PubMed 14978229 (cited by OMIM); PubMed 21998139 (cited by OMIM).

NM_004213.5(SLC28A1):c.1636T>C (p.Ser546Pro)

Gene: SLC28A1 (solute carrier family 28 member 1; plus strand). Cytogenetic location: 15q25.3.
Variant type: single nucleotide variant.
Coding change: c.1636T>C on transcript NM_004213.5 (MANE Select); coding-DNA position 1636, T replaced by C.
Protein change: p.Ser546Pro; replaces serine 546 with proline.
Molecular consequence: missense variant. On other transcripts: intron variant (1).
Genome position (GRCh38, 1-based): chr15:84,943,499, T>C. VCF-style: chr15-84943499-T-C. GRCh37 (hg19) VCF-style: chr15-85486730-T-C.
Other names: c.1138T>C, p.Ser380Pro (NM_001287761.2); c.1636T>C, p.Ser546Pro (NM_001287762.2, NM_001321722.2); c.1581+7981T>C (NM_001321721.2); c.1636T>C (NM_001287762.1); short protein forms S546P, S380P.
Identifiers: ClinVar variation 634887 (VCV000634887.26), dbSNP rs45584739, ClinGen allele CA7710894.